The following is an entry in ClinVar:

NM_021629.4(GNB4):c.380dup (p.Thr128fs)

Gene: GNB4 (G protein subunit beta 4; minus strand). Cytogenetic location: 3q26.33.
Variant type: Duplication.
Coding change: c.380dup on transcript NM_021629.4 (MANE Select); coding-DNA position 380, one base duplicated (A; older notation c.380dupA).
Protein change: p.Thr128fs; shifts the reading frame from threonine 128.
Molecular consequence: frameshift variant.
Genome position (GRCh38, 1-based): chr3:179,414,935, T duplicated on the plus strand (A on the coding strand, the reverse complement: GNB4 is on the minus strand); the first of 3 consecutive T bases (chr3:179,414,935-179,414,937); duplicating any one gives the same sequence. VCF-style (leftmost placement, unchanged base first): chr3-179414934-C-CT. GRCh37 (hg19) VCF-style: chr3-179132722-C-CT.
Other names: short protein forms T128fs.
Identifiers: ClinVar variation 2882286 (VCV002882286.3), dbSNP rs757634991, ClinGen allele CA2712504.

ClinVar aggregate classification (germline): Uncertain significance (1 of 4 stars; one submission).

Conditions:
Charcot-Marie-Tooth disease dominant intermediate F. Identifiers: Orphanet 352670, MedGen C4749463, MONDO:0014074, OMIM 615185.

Submission:

Labcorp Genetics (formerly Invitae), Labcorp
Classification: Uncertain significance for Charcot-Marie-Tooth disease dominant intermediate F. Last evaluated: 2024-08-31. Review status: criteria provided, single submitter. Criteria: Invitae Variant Classification Sherloc (09022015). Collection method: clinical testing. Allele origin: germline.
Comment: This sequence change creates a premature translational stop signal (p.Thr128Aspfs*27) in the GNB4 gene. It is expected to result in an absent or disrupted protein product. However, the current clinical and genetic evidence is not sufficient to establish whether loss-of-function variants in GNB4 cause disease. This variant is present in population databases (rs757634991, gnomAD 0.003%). This variant has not been reported in the literature in individuals affected with GNB4-related conditions. In summary, the available evidence is currently insufficient to determine the role of this variant in disease. Therefore, it has been classified as a Variant of Uncertain Significance.